The following is an entry in ClinVar:

NM_015910.7(WDPCP):c.680G>A (p.Arg227Gln)

Gene: WDPCP (WD repeat containing planar cell polarity effector; minus strand). Cytogenetic location: 2p15.
Variant type: single nucleotide variant.
Coding change: c.680G>A on transcript NM_015910.7 (MANE Select); coding-DNA position 680, G replaced by A.
Protein change: p.Arg227Gln; replaces arginine 227 with glutamine.
Molecular consequence: missense variant. On other transcripts: non-coding transcript variant (3).
Genome position (GRCh38, 1-based): chr2:63,433,890, C>T on the plus strand (G>A on the coding strand, the complement: WDPCP is on the minus strand). VCF-style: chr2-63433890-C-T. GRCh37 (hg19) VCF-style: chr2-63661024-C-T.
Other names: c.203G>A, p.Arg68Gln (NM_001042692.3); c.608G>A, p.Arg203Gln (NM_001354044.2); c.680G>A, p.Arg227Gln (NM_001354045.2); c.680G>A (NM_015910.5); short protein forms R227Q, R203Q, R68Q.
Identifiers: ClinVar variation 2185913 (VCV002185913.5), dbSNP rs763859638, ClinGen allele CA1682374.
Genomic context (GRCh38, chr2:63,433,890, plus strand): 5'-TCGTTGACCAGTGGCCACCAGCAAACAACTCTATCATGAACACAGTTGATAGCTAGATGT[C>T]GCTCTGTTGTCTTGTTTATTGGGCCGGGTATTTCATAATAGAAAATCTAACAATTTTAAA-3'
Protein context (NP_056994.3, residues 217-237): IPGPINKTTE[Arg227Gln]HLAINCVHDR

ClinVar aggregate classification (germline): Uncertain significance. Review status: criteria provided, multiple submitters, no conflicts (2 of 4 stars). 2 submissions from 2 submitters: Uncertain significance (2). Last evaluated 2023-05-23.

Conditions:
WDPCP-related disorder. Also called: WDPCP-related condition.
Bardet-Biedl syndrome (BBS). Identifiers: Orphanet 110, MedGen C0752166, MONDO:0015229.

Allele frequency attached by ClinVar (database versions not stated): gnomAD 0.00001; gnomAD exomes 0.00001; ExAC 0.00002; 1000 Genomes Project 30x 0.00031.
gnomAD v4.1: 9 of 1,613,900 alleles (0.00056%); highest among the groups gnomAD compares: African/African-American, 0.0027%; no homozygotes.

Submissions (2):

PreventionGenetics, part of Exact Sciences
Classification: Uncertain significance for WDPCP-related condition. Last evaluated: 2023-05-23. Review status: criteria provided, single submitter. Criteria: ACMG Guidelines, 2015. Collection method: clinical testing. Allele origin: germline.
Comment: The WDPCP c.680G>A variant is predicted to result in the amino acid substitution p.Arg227Gln. To our knowledge, this variant has not been reported in the literature. This variant is reported in 0.0027% of alleles in individuals of European (Non-Finnish) descent in gnomAD. At this time, the clinical significance of this variant is uncertain due to the absence of conclusive functional and genetic evidence.

Labcorp Genetics (formerly Invitae), Labcorp
Classification: Uncertain significance for Bardet-Biedl syndrome. Last evaluated: 2022-08-05. Review status: criteria provided, single submitter. Criteria: Invitae Variant Classification Sherloc (09022015). Collection method: clinical testing. Allele origin: germline.
Comment: This sequence change replaces arginine, which is basic and polar, with glutamine, which is neutral and polar, at codon 227 of the WDPCP protein (p.Arg227Gln). This variant is present in population databases (rs763859638, gnomAD 0.003%). This variant has not been reported in the literature in individuals affected with WDPCP-related conditions. Algorithms developed to predict the effect of missense changes on protein structure and function (SIFT, PolyPhen-2, Align-GVGD) all suggest that this variant is likely to be disruptive. In summary, the available evidence is currently insufficient to determine the role of this variant in disease. Therefore, it has been classified as a Variant of Uncertain Significance.